The following is an entry in ClinVar:

NM_001042492.3(NF1):c.1404T>A (p.Phe468Leu)

Gene: NF1 (neurofibromin 1; plus strand). Cytogenetic location: 17q11.2.
Variant type: single nucleotide variant.
Coding change: c.1404T>A on transcript NM_001042492.3 (MANE Select); coding-DNA position 1404, T replaced by A.
Protein change: p.Phe468Leu; replaces phenylalanine 468 with leucine.
Molecular consequence: missense variant.
Genome position (GRCh38, 1-based): chr17:31,214,462, T>A. VCF-style: chr17-31214462-T-A. GRCh37 (hg19) VCF-style: chr17-29541480-T-A.
Other names: c.1404T>A, p.Phe468Leu (NM_000267.4, NM_001128147.3); short protein forms F468L.
Identifiers: ClinVar variation 2452218 (VCV002452218.3), dbSNP rs2143958780, ClinGen allele CA399001430.
Genomic context (GRCh38, chr17:31,214,462, plus strand): 5'-TATTATCCTGAGTCTTATGTCTGATACCATGTTTTTGTTTTGTTTTTAGAGTCTTACATT[T>A]AAAGAAAAAGTAACAAGCCTTAAATTTAAAGAAAAACCTACAGACCTGGAGACAAGAAGC-3'
Protein context (NP_001035957.1, residues 458-478): PAIRMAPSLT[Phe468Leu]KEKVTSLKFK

ClinVar aggregate classification (germline): Uncertain significance. Review status: criteria provided, multiple submitters, no conflicts (2 of 4 stars). 2 submissions from 2 submitters: Uncertain significance (2). Last evaluated 2025-03-12.

Conditions:
Neurofibromatosis, type 1 (NF1). Also called: Peripheral type neurofibromatosis; Neurofibromatosis, type I; VON RECKLINGHAUSEN DISEASE; NEUROFIBROMATOSIS, TYPE I, SOMATIC. Identifiers: Orphanet 636, MedGen C0027831, MONDO:0018975, OMIM 162200. Disease mechanism: loss of function.
Cardiovascular phenotype. Identifiers: MedGen CN230736.
Hereditary cancer-predisposing syndrome. Also called: Hereditary neoplastic syndrome; Tumor predisposition; Neoplastic Syndromes, Hereditary; Hereditary Cancer Syndrome. Identifiers: Orphanet 140162, MedGen C0027672, MeSH D009386, MONDO:0015356.

Submissions (2):

Labcorp Genetics (formerly Invitae), Labcorp
Classification: Uncertain significance for Neurofibromatosis, type 1. Last evaluated: 2025-03-12. Review status: criteria provided, single submitter. Criteria: Invitae Variant Classification Sherloc (09022015). Collection method: clinical testing. Allele origin: germline.
Comment: This sequence change replaces phenylalanine, which is neutral and non-polar, with leucine, which is neutral and non-polar, at codon 468 of the NF1 protein (p.Phe468Leu). This variant is not present in population databases (gnomAD no frequency). This variant has not been reported in the literature in individuals affected with NF1-related conditions. ClinVar contains an entry for this variant (Variation ID: 2452218). Invitae Evidence Modeling of protein sequence and biophysical properties (such as structural, functional, and spatial information, amino acid conservation, physicochemical variation, residue mobility, and thermodynamic stability) indicates that this missense variant is not expected to disrupt NF1 protein function with a negative predictive value of 95%. In summary, the available evidence is currently insufficient to determine the role of this variant in disease. Therefore, it has been classified as a Variant of Uncertain Significance.

Ambry Genetics
Classification: Uncertain significance for Cardiovascular phenotype; Hereditary cancer-predisposing syndrome. Last evaluated: 2022-11-21. Review status: criteria provided, single submitter. Criteria: Ambry Variant Classification Scheme 2023. Collection method: clinical testing. Allele origin: germline.
Comment: The p.F468L variant (also known as c.1404T>A), located in coding exon 13 of the NF1 gene, results from a T to A substitution at nucleotide position 1404. The phenylalanine at codon 468 is replaced by leucine, an amino acid with highly similar properties. This amino acid position is conserved. In addition, this alteration is predicted to be tolerated by in silico analysis. Since supporting evidence is limited at this time, the clinical significance of this alteration remains unclear.